The following is an entry in ClinVar:

ClinVar aggregate classification (germline): Uncertain significance (1 of 4 stars; one submission).

Conditions:
Gastrointestinal stromal tumor. Also called: Gastrointestinal stroma tumor; Gastrointestinal stromal tumor, somatic. Identifiers: Orphanet 44890, MedGen C0238198, MeSH D046152, MONDO:0011719, OMIM 606764, HP:0100723.

Allele frequency attached by ClinVar (database versions not stated): gnomAD exomes below 0.00001.
gnomAD v4.1: 1 of 1,590,876 alleles (0.000063%); highest among the groups gnomAD compares: East Asian, 0.0022%; no homozygotes.

Submission:

Labcorp Genetics (formerly Invitae), Labcorp
Classification: Uncertain significance for Gastrointestinal stromal tumor. Last evaluated: 2025-07-27. Review status: criteria provided, single submitter. Criteria: Invitae Variant Classification Sherloc (09022015). Collection method: clinical testing. Allele origin: germline.
Comment: This sequence change affects a donor splice site in intron 20 of the KIT gene. While this variant is not anticipated to result in nonsense mediated decay, it likely alters RNA splicing and results in a disrupted protein product. This variant is present in population databases (no rsID available, gnomAD 0.006%). This variant has not been reported in the literature in individuals affected with KIT-related conditions. ClinVar contains an entry for this variant (Variation ID: 2198874). Variants that disrupt the consensus splice site are a relatively common cause of aberrant splicing (PMID: 17576681, 9536098). Algorithms developed to predict the effect of sequence changes on RNA splicing suggest that this variant may disrupt the consensus splice site. In summary, the available evidence is currently insufficient to determine the role of this variant in disease. Therefore, it has been classified as a Variant of Uncertain Significance.

Literature cited by the submitters: PubMed 17576681; PubMed 9536098.

NM_000222.3(KIT):c.2802+1G>A

Gene: KIT (KIT proto-oncogene, receptor tyrosine kinase; plus strand). Cytogenetic location: 4q12.
Variant type: single nucleotide variant.
Coding change: c.2802+1G>A on transcript NM_000222.3 (MANE Select); the canonical splice donor site of the intron after coding-DNA position 2802, G replaced by A.
Molecular consequence: splice donor variant.
Genome position (GRCh38, 1-based): chr4:54,737,281, G>A. VCF-style: chr4-54737281-G-A. GRCh37 (hg19) VCF-style: chr4-55603447-G-A.
Other names: c.2805+1G>A (NM_001385284.1); c.2802+1G>A (NM_001385290.1); c.2793+1G>A (NM_001385288.1); c.2790+1G>A (NM_001385292.1, NM_001093772.2); c.2799+1G>A (NM_001385285.1); c.2787+1G>A (NM_001385286.1).
Identifiers: ClinVar variation 2198874 (VCV002198874.4), dbSNP rs1266805096, ClinGen allele CA356914632.